The following is an entry in ClinVar:

ClinVar aggregate classification (germline): Uncertain significance. Review status: criteria provided, multiple submitters, no conflicts (2 of 4 stars). 2 submissions from 2 submitters: Uncertain significance (2). Last evaluated 2025-10-27.

Conditions:
Inborn genetic diseases. Identifiers: MedGen C0950123, MeSH D030342.

Allele frequency attached by ClinVar (database versions not stated): gnomAD 0.00002; ExAC 0.00003; TOPMed 0.00004; gnomAD exomes 0.00006.

Submissions (2):

Labcorp Genetics (formerly Invitae), Labcorp
Classification: Uncertain significance. Last evaluated: 2025-10-27. Review status: criteria provided, single submitter. Criteria: Invitae Variant Classification Sherloc (09022015). Collection method: clinical testing. Allele origin: germline.
Comment: This sequence change replaces glutamic acid, which is acidic and polar, with lysine, which is basic and polar, at codon 38 of the FAT1 protein (p.Glu38Lys). This variant is present in population databases (rs751034262, gnomAD 0.01%). This variant has not been reported in the literature in individuals affected with FAT1-related conditions. ClinVar contains an entry for this variant (Variation ID: 2080264). An algorithm developed to predict the effect of missense changes on protein structure and function (PolyPhen-2) suggests that this variant is likely to be tolerated. In summary, the available evidence is currently insufficient to determine the role of this variant in disease. Therefore, it has been classified as a Variant of Uncertain Significance.

Ambry Genetics
Classification: Uncertain significance for Inborn genetic diseases. Last evaluated: 2024-08-01. Review status: criteria provided, single submitter. Criteria: Ambry Variant Classification Scheme 2023. Collection method: clinical testing. Allele origin: germline.

NM_005245.4(FAT1):c.112G>A (p.Glu38Lys)

Gene: FAT1 (FAT atypical cadherin 1; minus strand). Cytogenetic location: 4q35.2.
Variant type: single nucleotide variant.
Coding change: c.112G>A on transcript NM_005245.4 (MANE Select); coding-DNA position 112, G replaced by A.
Protein change: p.Glu38Lys; replaces glutamic acid 38 with lysine.
Molecular consequence: missense variant.
Genome position (GRCh38, 1-based): chr4:186,709,716, C>T on the plus strand (G>A on the coding strand, the complement: FAT1 is on the minus strand). VCF-style: chr4-186709716-C-T. GRCh37 (hg19) VCF-style: chr4-187630870-C-T.
Other names: c.112G>A (NM_005245.3); short protein forms E38K.
Identifiers: ClinVar variation 2080264 (VCV002080264.5), dbSNP rs751034262, ClinGen allele CA3167725.